The following is an entry in ClinVar:

ClinVar aggregate classification (germline): Likely benign (1 of 4 stars; one submission).

Conditions:
LZTR1-related disorder. Also called: LZTR1-related disorders; LZTR1-related condition.

gnomAD v4.1: 1 of 1,612,454 alleles (0.000062%); highest among the groups gnomAD compares: Non-Finnish European, 0.000085%; no homozygotes.

Submission:

PreventionGenetics, part of Exact Sciences
Classification: Likely benign for LZTR1-related condition. Last evaluated: 2026-07-15. Review status: criteria provided, single submitter. Criteria: ACMG Guidelines, 2015. Collection method: clinical testing. Allele origin: germline.
Comment: This variant is classified as likely benign based on ACMG/AMP sequence variant interpretation guidelines (Richards et al. 2015 PMID: 25741868, with internal and published modifications).

NM_006767.4(LZTR1):c.2208C>G (p.Pro736=)

Gene: LZTR1 (leucine zipper like post translational regulator 1; plus strand). Cytogenetic location: 22q11.21.
Variant type: single nucleotide variant.
Coding change: c.2208C>G on transcript NM_006767.4 (MANE Select); coding-DNA position 2208, C replaced by G.
Protein change: p.Pro736=; no amino-acid change (proline 736 retained).
Molecular consequence: synonymous variant.
Genome position (GRCh38, 1-based): chr22:20,996,101, C>G. VCF-style: chr22-20996101-C-G. GRCh37 (hg19) VCF-style: chr22-21350390-C-G.
Identifiers: ClinVar variation 4996390 (VCV004996390.1).